The following is an entry in ClinVar:

NM_000702.4(ATP1A2):c.2323T>G (p.Tyr775Asp)

Gene: ATP1A2 (ATPase Na+/K+ transporting subunit alpha 2; plus strand). Cytogenetic location: 1q23.2.
Variant type: single nucleotide variant.
Coding change: c.2323T>G on transcript NM_000702.4 (MANE Select); coding-DNA position 2323, T replaced by G.
Protein change: p.Tyr775Asp; replaces tyrosine 775 with aspartic acid.
Molecular consequence: missense variant.
Genome position (GRCh38, 1-based): chr1:160,135,877, T>G. VCF-style: chr1-160135877-T-G. GRCh37 (hg19) VCF-style: chr1-160105667-T-G.
Other names: short protein forms Y775D.
Identifiers: ClinVar variation 1313247 (VCV001313247.3), dbSNP rs2101995474, ClinGen allele CA343250164.

ClinVar aggregate classification (germline): Likely pathogenic (1 of 4 stars; one submission).

Submission:

GeneDx
Classification: Likely pathogenic. Last evaluated: 2024-08-28. Review status: criteria provided, single submitter. Criteria: GeneDx Variant Classification Process June 2021. Collection method: clinical testing. Allele origin: germline. Affected: yes.
Comment: Not observed at significant frequency in large population cohorts (gnomAD); In silico analysis supports that this missense variant has a deleterious effect on protein structure/function; Has not been previously published as pathogenic or benign to our knowledge; This variant is associated with the following publications: (PMID: 20837964)